The following is an entry in ClinVar:

NM_022725.4(FANCF):c.623C>A (p.Ala208Glu)

Gene: FANCF (FA complementation group F; minus strand). Cytogenetic location: 11p14.3.
Variant type: single nucleotide variant.
Coding change: c.623C>A on transcript NM_022725.4 (MANE Select); coding-DNA position 623, C replaced by A.
Protein change: p.Ala208Glu; replaces alanine 208 with glutamic acid.
Molecular consequence: missense variant.
Genome position (GRCh38, 1-based): chr11:22,625,188, G>T on the plus strand (C>A on the coding strand, the complement: FANCF is on the minus strand). VCF-style: chr11-22625188-G-T. GRCh37 (hg19) VCF-style: chr11-22646734-G-T.
Other names: short protein forms A208E.
Identifiers: ClinVar variation 2088173 (VCV002088173.4), dbSNP rs752979565, ClinGen allele CA5924299.

ClinVar aggregate classification (germline): Uncertain significance (1 of 4 stars; one submission).

Conditions:
Fanconi anemia (FA). Also called: Fanconi's anemia. Identifiers: Orphanet 84, MedGen C0015625, MeSH D005199, MONDO:0019391.

Allele frequency attached by ClinVar (database versions not stated): gnomAD exomes below 0.00001; ExAC 0.00002.

Submission:

Labcorp Genetics (formerly Invitae), Labcorp
Classification: Uncertain significance for Fanconi anemia. Last evaluated: 2025-07-28. Review status: criteria provided, single submitter. Criteria: Invitae Variant Classification Sherloc (09022015). Collection method: clinical testing. Allele origin: germline.
Comment: This sequence change replaces alanine, which is neutral and non-polar, with glutamic acid, which is acidic and polar, at codon 208 of the FANCF protein (p.Ala208Glu). This variant is present in population databases (rs752979565, gnomAD 0.01%). This variant has not been reported in the literature in individuals affected with FANCF-related conditions. ClinVar contains an entry for this variant (Variation ID: 2088173). Invitae Evidence Modeling of protein sequence and biophysical properties (such as structural, functional, and spatial information, amino acid conservation, physicochemical variation, residue mobility, and thermodynamic stability) indicates that this missense variant is expected to disrupt FANCF protein function with a positive predictive value of 80%. In summary, the available evidence is currently insufficient to determine the role of this variant in disease. Therefore, it has been classified as a Variant of Uncertain Significance.